The following is an entry in ClinVar:

NM_022124.6(CDH23):c.1882G>T (p.Asp628Tyr)

Gene: CDH23 (cadherin related 23; plus strand). Cytogenetic location: 10q22.1.
Variant type: single nucleotide variant.
Coding change: c.1882G>T on transcript NM_022124.6 (MANE Select); coding-DNA position 1882, G replaced by T.
Protein change: p.Asp628Tyr; replaces aspartic acid 628 with tyrosine.
Molecular consequence: missense variant.
Genome position (GRCh38, 1-based): chr10:71,682,468, G>T. VCF-style: chr10-71682468-G-T. GRCh37 (hg19) VCF-style: chr10-73442225-G-T.
Other names: c.1882G>T, p.Asp628Tyr (NM_001171930.2, NM_001171931.2); short protein forms D628Y.
Identifiers: ClinVar variation 2753332 (VCV002753332.3), dbSNP rs2493960622, ClinGen allele CA377132244.

ClinVar aggregate classification (germline): Uncertain significance (1 of 4 stars; one submission).

gnomAD v4.1: 1 of 1,612,434 alleles (0.000062%); highest among the groups gnomAD compares: South Asian, 0.0011%; no homozygotes.

Submission:

Labcorp Genetics (formerly Invitae), Labcorp
Classification: Uncertain significance. Last evaluated: 2023-08-17. Review status: criteria provided, single submitter. Criteria: Invitae Variant Classification Sherloc (09022015). Collection method: clinical testing. Allele origin: germline.
Comment: This sequence change replaces aspartic acid, which is acidic and polar, with tyrosine, which is neutral and polar, at codon 628 of the CDH23 protein (p.Asp628Tyr). This variant is not present in population databases (gnomAD no frequency). This variant has not been reported in the literature in individuals affected with CDH23-related conditions. Advanced modeling of protein sequence and biophysical properties (such as structural, functional, and spatial information, amino acid conservation, physicochemical variation, residue mobility, and thermodynamic stability) performed at Invitae indicates that this missense variant is expected to disrupt CDH23 protein function. Algorithms developed to predict the effect of sequence changes on RNA splicing suggest that this variant may create or strengthen a splice site. In summary, the available evidence is currently insufficient to determine the role of this variant in disease. Therefore, it has been classified as a Variant of Uncertain Significance.